The following is an entry in ClinVar:

NM_000498.3(CYP11B2):c.1200+1G>A

Genes: CYP11B2 (cytochrome P450 family 11 subfamily B member 2; minus strand), LOC106799834 (CYP11B2 recombination region; plus strand). Cytogenetic location: 8q24.3.
Variant type: single nucleotide variant.
Coding change: c.1200+1G>A on transcript NM_000498.3 (MANE Select); the canonical splice donor site of the intron after coding-DNA position 1200, G replaced by A.
Molecular consequence: splice donor variant.
Genome position (GRCh38, 1-based): chr8:142,912,806, C>T on the plus strand (G>A on the coding strand, the complement: CYP11B2 is on the minus strand). VCF-style: chr8-142912806-C-T. GRCh37 (hg19) VCF-style: chr8-143994222-C-T.
Identifiers: ClinVar variation 655196 (VCV000655196.10), dbSNP rs761385416, ClinGen allele CA4905902.
Genomic context (GRCh38, chr8:142,912,806, plus strand): 5'-AGGGATCAGGGAATGACTGGGGAGGGAGGTTCTCAGCTCGAGGGGTGTGGGGCTCACTCA[C>T]CCCAGCTGGGATGTGGTAGTTCTGAAGCACCAAGTCTGAGCTCACCACTCGCTCCAAAAA-3'

ClinVar aggregate classification (germline): Pathogenic/Likely pathogenic. Review status: criteria provided, multiple submitters, no conflicts (2 of 4 stars). 4 submissions from 4 submitters: Pathogenic (3); Likely pathogenic (1). Last evaluated 2025-10-15.

Conditions:
Corticosterone 18-monooxygenase deficiency. Also called: ALDOSTERONE DEFICIENCY DUE TO DEFECT IN STEROID 18-HYDROXYLASE; ALDOSTERONE DEFICIENCY I; CMO I DEFICIENCY; STEROID 18-HYDROXYLASE DEFICIENCY; 18 Hydroxylase deficiency; Aldosterone deficiency due to defect in 18 hydroxylase. Identifiers: Orphanet 427, MedGen C0268293, MONDO:0008751, OMIM 203400. Disease mechanism: loss of function.
Corticosterone methyloxidase type 2 deficiency. Also called: 18-OXIDASE DEFICIENCY; ALDOSTERONE DEFICIENCY DUE TO DEFICIENCY OF STEROID 18-OXIDASE; ALDOSTERONE DEFICIENCY II; CMO II DEFICIENCY; STEROID 18-OXIDASE DEFICIENCY. Identifiers: Orphanet 427, MedGen C3463917, MONDO:0012524, OMIM 610600. Disease mechanism: loss of function.
Corticosterone methyl oxidase type II deficiency.

Allele frequency attached by ClinVar (database versions not stated): gnomAD 0.00001; ExAC 0.00001; TOPMed 0.00001; gnomAD exomes 0.00001.

Submissions (4):

Natera, Inc.
Classification: Pathogenic for Corticosterone methyl oxidase type II deficiency. Last evaluated: 2025-10-15. Review status: criteria provided, single submitter. Criteria: Natera Variant Classification Schema (03/2026). Collection method: clinical testing. Allele origin: germline.
Comment: The c.1200+1G>A variant in CYP11B2 is a canonical splice donor site variant predicted to affect pre-mRNA splicing, which may result in an abnormal transcript and altered protein product. This variant is expected to result in nonsense mediated decay, truncation, or a dysfunctional protein product. This variant is rare in the general population with a frequency below the threshold expected for the associated phenotype(s). This variant has been observed in one or more individuals affected with the associated recessive disease, as either homozygous or compound heterozygous with a second variant (PMID: 34243750). Given the available evidence, this variant is classified as Pathogenic.

MVZ Medizinische Genetik Mainz
Classification: Pathogenic for Corticosterone 18-monooxygenase deficiency. Last evaluated: 2024-11-27. Review status: criteria provided, single submitter. Criteria: UK Practice Guidelines For Variant Classification V4 01 2020. Collection method: clinical testing. Allele origin: germline. Inheritance: Autosomal recessive inheritance. Affected: yes. Observed: 1 variant allele.
Comment: ACMG Criteria: PVS1,PM3,PM2_SUP; Compound Heterozygote

Labcorp Genetics (formerly Invitae), Labcorp
Classification: Pathogenic. Last evaluated: 2023-09-29. Review status: criteria provided, single submitter. Criteria: Invitae Variant Classification Sherloc (09022015). Collection method: clinical testing. Allele origin: germline.
Comment: Disruption of this splice site has been observed in individual(s) with aldosterone synthase deficiency (PMID: 34243750). In at least one individual the data is consistent with being in trans (on the opposite chromosome) from a pathogenic variant. ClinVar contains an entry for this variant (Variation ID: 655196). Algorithms developed to predict the effect of sequence changes on RNA splicing suggest that this variant may disrupt the consensus splice site. For these reasons, this variant has been classified as Pathogenic. This variant is present in population databases (rs761385416, gnomAD 0.006%). This sequence change affects a donor splice site in intron 7 of the CYP11B2 gene. It is expected to disrupt RNA splicing. Variants that disrupt the donor or acceptor splice site typically lead to a loss of protein function (PMID: 16199547), and loss-of-function variants in CYP11B2 are known to be pathogenic (PMID: 20494601, 22801770, 26936515).

Fulgent Genetics
Classification: Likely pathogenic for Corticosterone 18-monooxygenase deficiency; Corticosterone methyloxidase type 2 deficiency. Last evaluated: 2022-04-09. Review status: criteria provided, single submitter. Criteria: ACMG Guidelines, 2015. Collection method: clinical testing. Allele origin: unknown.

Literature cited by the submitters: PubMed 34243750 (cited by Natera, Inc. and Labcorp Genetics (formerly Invitae), Labcorp); PubMed 16199547 (cited by Labcorp Genetics (formerly Invitae), Labcorp); PubMed 20494601 (cited by Labcorp Genetics (formerly Invitae), Labcorp); PubMed 22801770 (cited by Labcorp Genetics (formerly Invitae), Labcorp); PubMed 26936515 (cited by Labcorp Genetics (formerly Invitae), Labcorp).